The following is an entry in ClinVar:

ClinVar aggregate classification (germline): Benign. Review status: criteria provided, single submitter (1 of 4 stars). 2 submissions from 1 submitter: Benign (2). Last evaluated 2018-01-13.

Conditions:
Dyskeratosis congenita, autosomal dominant 3. Identifiers: MedGen C3151445, MONDO:0013522, OMIM 613990.
Revesz syndrome. Also called: EXUDATIVE RETINOPATHY WITH BONE MARROW FAILURE; DYSKERATOSIS CONGENITA, AUTOSOMAL DOMINANT 5. Identifiers: Orphanet 3088, MedGen C1327916, MONDO:0009990, OMIM 268130.

Allele frequency attached by ClinVar (database versions not stated): gnomAD 0.00019; TOPMed 0.00044; 1000 Genomes Project 30x 0.00094; 1000 Genomes Project 0.00100.

Submissions (2):

Illumina Laboratory Services, Illumina
Classification: Benign for Dyskeratosis congenita, autosomal dominant 3. Last evaluated: 2018-01-13. Review status: criteria provided, single submitter. Criteria: ICSL Variant Classification Criteria 13 December 2019. Collection method: clinical testing. Allele origin: germline.
Comment: This variant was observed in the ICSL laboratory as part of a predisposition screen in an ostensibly healthy population. It had not been previously curated by ICSL or reported in the Human Gene Mutation Database (HGMD: prior to June 1st, 2018), and was therefore a candidate for classification through an automated scoring system. Utilizing variant allele frequency, disease prevalence and penetrance estimates, and inheritance mode, an automated score was calculated to assess if this variant is too frequent to cause the disease. Based on the score and internal cut-off values, a variant classified as benign is not then subjected to further curation. The score for this variant resulted in a classification of benign for this disease.

Illumina Laboratory Services, Illumina
Classification: Benign for Revesz syndrome. Last evaluated: 2018-01-13. Review status: criteria provided, single submitter. Criteria: ICSL Variant Classification Criteria 13 December 2019. Collection method: clinical testing. Allele origin: germline.
Comment: the same text as in the submission from Illumina Laboratory Services, Illumina above.

NM_001099274.3(TINF2):c.*91T>C

Gene: TINF2 (TERF1 interacting nuclear factor 2; minus strand). Cytogenetic location: 14q12.
Variant type: single nucleotide variant.
Coding change: c.*91T>C on transcript NM_001099274.3 (MANE Select); 91 bases downstream of the stop codon, T replaced by C.
Molecular consequence: 3 prime UTR variant.
Genome position (GRCh38, 1-based): chr14:24,239,706, A>G on the plus strand (T>C on the coding strand, the complement: TINF2 is on the minus strand). VCF-style: chr14-24239706-A-G. GRCh37 (hg19) VCF-style: chr14-24708912-A-G.
Other names: c.*91T>C (NM_001363668.2); c.*709T>C (NM_012461.3).
Identifiers: ClinVar variation 312943 (VCV000312943.5), dbSNP rs183352266, ClinGen allele CA10645103.
Genomic context (GRCh38, chr14:24,239,706, plus strand): 5'-TAACAAATCCAAAGTTTAATTATTAAGGATTACAAATATTTTTAGCAGTGTAGTTAGGCA[A>G]TCCAAGCCTGGACTTCCACTTCATTCCTACTAAACTACTTGCAGAGCTGAGGAGGCAGGA-3'